The following is an entry in ClinVar:

NM_000203.5(IDUA):c.1338_1357delinsT (p.Arg447fs)

Gene: IDUA (alpha-L-iduronidase; plus strand). Cytogenetic location: 4p16.3.
Variant type: Indel.
Coding change: c.1338_1357delinsT on transcript NM_000203.5 (MANE Select); coding-DNA positions 1338 to 1357, CCGCGCCCACCCCAACCGCA replaced by T.
Protein change: p.Arg447fs; shifts the reading frame from arginine 447.
Molecular consequence: frameshift variant. On other transcripts: non-coding transcript variant (1).
Genome position (GRCh38, 1-based): chr4:1,002,880-1,002,899, CCGCGCCCACCCCAACCGCA replaced by T. VCF-style: chr4-1002880-CCGCGCCCACCCCAACCGCA-T. GRCh37 (hg19) VCF-style: chr4-996668-CCGCGCCCACCCCAACCGCA-T.
Other names: c.942_961delinsT, p.Arg315fs (NM_001363576.1); short protein forms R315fs, R447fs.
Identifiers: ClinVar variation 4817921 (VCV004817921.1).

ClinVar aggregate classification (germline): Likely pathogenic (1 of 4 stars; one submission).

Conditions:
Mucopolysaccharidosis type 1. Also called: IDUA deficiency; MPS I; Mucopolysaccharidosis Type I. Identifiers: Orphanet 579, MedGen C0023786, MONDO:0001586.

Submission:

Natera, Inc.
Classification: Likely pathogenic for Mucopolysaccharidosis type I. Last evaluated: 2024-05-29. Review status: criteria provided, single submitter. Criteria: Natera Variant Classification Schema (03/2026). Collection method: clinical testing. Allele origin: germline.
Comment: The c.1338_1357delinsT variant in IDUA is a frameshift variant predicted to shift the reading frame beginning at codon 447 and leads to a stop codon 4 codons downstream. This variant is expected to result in nonsense mediated decay, truncation, or a dysfunctional protein product. This variant is rare in the general population with a frequency below the threshold expected for the associated phenotype(s). Given the available evidence, this variant is classified as Likely Pathogenic.